The following is an entry in ClinVar:

ClinVar aggregate classification (germline): Uncertain significance (1 of 4 stars; one submission).

Conditions:
Charcot-Marie-Tooth disease type 2. Also called: Charcot-Marie-Tooth type 2. Identifiers: Orphanet 64746, MedGen C0270914, MONDO:0018993.

gnomAD v4.1: 1 of 1,610,412 alleles (0.000062%); highest among the groups gnomAD compares: Non-Finnish European, 0.000085%; no homozygotes.

Submission:

Labcorp Genetics (formerly Invitae), Labcorp
Classification: Uncertain significance for Charcot-Marie-Tooth disease type 2. Last evaluated: 2021-12-19. Review status: criteria provided, single submitter. Criteria: Invitae Variant Classification Sherloc (09022015). Collection method: clinical testing. Allele origin: germline.
Comment: In summary, the available evidence is currently insufficient to determine the role of this variant in disease. Therefore, it has been classified as a Variant of Uncertain Significance. Algorithms developed to predict the effect of missense changes on protein structure and function are either unavailable or do not agree on the potential impact of this missense change (SIFT: "Deleterious"; PolyPhen-2: "Possibly Damaging"; Align-GVGD: "Class C0"). This variant has not been reported in the literature in individuals affected with MED25-related conditions. This variant is not present in population databases (gnomAD no frequency). This sequence change replaces glutamine, which is neutral and polar, with histidine, which is basic and polar, at codon 690 of the MED25 protein (p.Gln690His).

NM_030973.4(MED25):c.2070G>C (p.Gln690His)

Gene: MED25 (mediator complex subunit 25; plus strand). Cytogenetic location: 19q13.33.
Variant type: single nucleotide variant.
Coding change: c.2070G>C on transcript NM_030973.4 (MANE Select); coding-DNA position 2070, G replaced by C.
Protein change: p.Gln690His; replaces glutamine 690 with histidine.
Molecular consequence: missense variant.
Genome position (GRCh38, 1-based): chr19:49,836,330, G>C. VCF-style: chr19-49836330-G-C. GRCh37 (hg19) VCF-style: chr19-50339587-G-C.
Other names: c.2070G>C, p.Gln690His (NM_001378355.1); short protein forms Q690H.
Identifiers: ClinVar variation 2048916 (VCV002048916.4), dbSNP rs1240240229, ClinGen allele CA406921609.